The following is an entry in ClinVar:

ClinVar aggregate classification (germline): Uncertain significance. Review status: criteria provided, single submitter (1 of 4 stars). 2 submissions from 2 submitters: Uncertain significance (1). 1 of the submissions does not count toward it. Last evaluated 2018-01-12.

Conditions:
MMP20-related disorder. Also called: MMP20-related condition.
Amelogenesis imperfecta hypomaturation type 2A2. Also called: AMELOGENESIS IMPERFECTA, PIGMENTED HYPOMATURATION TYPE, 2; Amelogenesis imperfecta, type IIA2; Amelogenesis imperfecta, hypomaturation type, IIA2. Identifiers: Orphanet 88661, MedGen C2675858, MONDO:0012926, OMIM 612529. Disease mechanism: loss of function.

Allele frequency attached by ClinVar (database versions not stated): gnomAD exomes 0.00007; ExAC 0.00005; TOPMed 0.00006.
gnomAD v4.1: 214 of 1,613,822 alleles (0.013%); highest among the groups gnomAD compares: Non-Finnish European, 0.018%; no homozygotes.

Submissions (2):

Illumina Laboratory Services, Illumina
Classification: Uncertain significance for Amelogenesis imperfecta hypomaturation type 2A2. Last evaluated: 2018-01-12. Review status: criteria provided, single submitter. Criteria: ICSL Variant Classification Criteria 13 December 2019. Collection method: clinical testing. Allele origin: germline.

PreventionGenetics, part of Exact Sciences
Classification: Likely benign for MMP20-related condition. Last evaluated: 2019-07-12. Review status: no assertion criteria provided. Collection method: clinical testing. Allele origin: germline. Not counted in ClinVar's aggregate classification.
Comment: This variant is classified as likely benign based on ACMG/AMP sequence variant interpretation guidelines (Richards et al. 2015 PMID: 25741868, with internal and published modifications).

NM_004771.4(MMP20):c.855C>A (p.Ala285=)

Gene: MMP20 (matrix metallopeptidase 20; minus strand). Cytogenetic location: 11q22.2.
Variant type: single nucleotide variant.
Coding change: c.855C>A on transcript NM_004771.4 (MANE Select); coding-DNA position 855, C replaced by A.
Protein change: p.Ala285=; no amino-acid change (alanine 285 retained).
Molecular consequence: synonymous variant.
Genome position (GRCh38, 1-based): chr11:102,606,633, G>T on the plus strand (C>A on the coding strand, the complement: MMP20 is on the minus strand). VCF-style: chr11-102606633-G-T. GRCh37 (hg19) VCF-style: chr11-102477364-G-T.
Identifiers: ClinVar variation 879170 (VCV000879170.6), dbSNP rs768882792, ClinGen allele CA6248302.